The following is an entry in ClinVar:

ClinVar aggregate classification (germline): Conflicting classifications of pathogenicity. Review status: criteria provided, conflicting classifications (1 of 4 stars). 4 submissions from 4 submitters: Uncertain significance (1); Likely benign (3). Last evaluated 2026-02-01.

Conditions:
Retinitis pigmentosa (RP). Identifiers: Orphanet 791, MedGen C0035334, MeSH D012174, MONDO:0019200, OMIM 268000. Inheritance: Autosomal dominant, autosomal recessive and X linked inheritance.

Allele frequency attached by ClinVar (database versions not stated): gnomAD 0.00003 and 0.00004; gnomAD exomes 0.00004; TOPMed 0.00005; ExAC 0.00007; 1000 Genomes Project 30x 0.00016; 1000 Genomes Project 0.00020.
gnomAD v4.1: 195 of 1,613,916 alleles (0.012%); highest among the groups gnomAD compares: Middle Eastern, 0.016%; no homozygotes.

Submissions (4):

CeGaT Center for Human Genetics Tuebingen
Classification: Likely benign. Last evaluated: 2026-02-01. Review status: criteria provided, single submitter. Criteria: CeGaT Center For Human Genetics Tuebingen Variant Classification Criteria Version 2. Collection method: clinical testing. Allele origin: germline. Affected: yes. Observed: 1 variant allele.
Comment: PDE6A: BP4, BP7

Labcorp Genetics (formerly Invitae), Labcorp
Classification: Likely benign. Last evaluated: 2025-06-16. Review status: criteria provided, single submitter. Criteria: Invitae Variant Classification Sherloc (09022015). Collection method: clinical testing. Allele origin: germline.

Blueprint Genetics
Classification: Likely benign. Last evaluated: 2024-02-09. Review status: criteria provided, single submitter. Criteria: ACMG Guidelines, 2015. Collection method: clinical testing. Allele origin: germline.

Illumina Laboratory Services, Illumina
Classification: Uncertain significance for Retinitis pigmentosa. Last evaluated: 2018-01-13. Review status: criteria provided, single submitter. Criteria: ICSL Variant Classification Criteria 13 December 2019. Collection method: clinical testing. Allele origin: germline.

NM_000440.3(PDE6A):c.384C>T (p.Pro128=)

Gene: PDE6A (phosphodiesterase 6A; minus strand). Cytogenetic location: 5q32.
Variant type: single nucleotide variant.
Coding change: c.384C>T on transcript NM_000440.3 (MANE Select); coding-DNA position 384, C replaced by T.
Protein change: p.Pro128=; no amino-acid change (proline 128 retained).
Molecular consequence: synonymous variant.
Genome position (GRCh38, 1-based): chr5:149,944,290, G>A on the plus strand (C>T on the coding strand, the complement: PDE6A is on the minus strand). VCF-style: chr5-149944290-G-A. GRCh37 (hg19) VCF-style: chr5-149323853-G-A.
Identifiers: ClinVar variation 352002 (VCV000352002.18), dbSNP rs192618681, ClinGen allele CA3505066.